The following is an entry in ClinVar:

ClinVar aggregate classification (germline): Pathogenic/Likely pathogenic. Review status: criteria provided, multiple submitters, no conflicts (2 of 4 stars). 4 submissions from 4 submitters: Pathogenic (2); Likely pathogenic (1). 1 of the submissions does not count toward it. Last evaluated 2025-07-25.

Conditions:
Deficiency of steroid 17-alpha-monooxygenase. Also called: 17-ALPHA-HYDROXYLASE DEFICIENCY; Congenital adrenal hyperplasia due to 17-alpha-hydroxylase deficiency; Congenital adrenal hyperplasia type 5; ADRENAL HYPERPLASIA V; 17-alpha-hydroxylase/17,20-lyase deficiency. Identifiers: Orphanet 90793, MedGen C0268285, MONDO:0008730, OMIM 202110.
Congenital adrenal hyperplasia. Identifiers: Orphanet 418, MedGen C0001627, MONDO:0018479, HP:0008258.

gnomAD v4.1: 3 of 1,610,612 alleles (0.00019%); highest among the groups gnomAD compares: East Asian, 0.0022%; no homozygotes.

Submissions (4):

Women's Health and Genetics/Laboratory Corporation of America, LabCorp
Classification: Pathogenic for Congenital adrenal hyperplasia. Last evaluated: 2025-07-25. Review status: criteria provided, single submitter. Criteria: LabCorp Variant Classification Summary - May 2015. Collection method: clinical testing. Allele origin: germline.
Comment: Variant summary: CYP17A1 c.1117C>G (p.His373Asp) results in a non-conservative amino acid change in the encoded protein sequence. Algorithms developed to predict the effect of missense changes on protein structure and function all suggest that this variant is likely to be disruptive. The variant was absent in 251058 control chromosomes. c.1117C>G has been observed in at least one individual affected with Congenital Adrenal Hyperplasia (example: Sahakitrungruang_2009). Three different variants affecting the same codon have been classified as likely pathogenic/pathogenic by our lab (c.1117C>A/p.His373Asn, c.1117C>T/p.His373Tyr, c.1118A>T/p.His373Leu), supporting the critical relevance of codon 373 to CYP17A1 protein function. At least one publication reports experimental evidence evaluating an impact on protein function. Specifically, the variant demonstrated no detectable 17-hydroxylase or 17,20-lyase activity when expressed in COS-1 cells and E. coli membranes expressing the variant produced an absorption peak below that of wild type suggesting the variant interferes with protein folding (example: Sahakitrungruang_2009). The following publication has been ascertained in the context of this evaluation (PMID: 19470621). ClinVar contains an entry for this variant (Variation ID: 1065951). Based on the evidence outlined above, the variant was classified as pathogenic.

Labcorp Genetics (formerly Invitae), Labcorp
Classification: Likely pathogenic. Last evaluated: 2022-08-16. Review status: criteria provided, single submitter. Criteria: Invitae Variant Classification Sherloc (09022015). Collection method: clinical testing. Allele origin: germline.
Comment: This missense change has been observed in individual(s) with 17alpha-hydroxylase deficiency (PMID: 19470621). This variant is not present in population databases (gnomAD no frequency). This sequence change replaces histidine, which is basic and polar, with aspartic acid, which is acidic and polar, at codon 373 of the CYP17A1 protein (p.His373Asp). In summary, the currently available evidence indicates that the variant is pathogenic, but additional data are needed to prove that conclusively. Therefore, this variant has been classified as Likely Pathogenic. This variant disrupts the p.His373 amino acid residue in CYP17A1. Other variant(s) that disrupt this residue have been determined to be pathogenic (PMID: 8245018, 10877510, 11549876, 12706306, 24140098, 29278670). This suggests that this residue is clinically significant, and that variants that disrupt this residue are likely to be disease-causing. Algorithms developed to predict the effect of sequence changes on RNA splicing suggest that this variant may disrupt the consensus splice site. Experimental studies have shown that this missense change affects CYP17A1 function (PMID: 19470621). Advanced modeling of protein sequence and biophysical properties (such as structural, functional, and spatial information, amino acid conservation, physicochemical variation, residue mobility, and thermodynamic stability) performed at Invitae indicates that this missense variant is expected to disrupt CYP17A1 protein function. ClinVar contains an entry for this variant (Variation ID: 1065951).

MGZ Medical Genetics Center
Classification: Pathogenic for Deficiency of steroid 17-alpha-monooxygenase. Last evaluated: 2021-12-22. Review status: criteria provided, single submitter. Criteria: ACMG Guidelines, 2015. Collection method: clinical testing. Allele origin: germline. Affected: yes. Observed: 1 variant allele.
Comment: ACMG criteria applied: PS3, PM5_STR, PM3, PM2_SUP, PP2, PP3

Natera, Inc.
Classification: Likely pathogenic for Deficiency of steroid 17-alpha-monooxygenase. Last evaluated: 2021-03-04. Review status: no assertion criteria provided. Collection method: clinical testing. Allele origin: germline. Not counted in ClinVar's aggregate classification.

Literature cited by the submitters: PubMed 19470621 (cited by Women's Health and Genetics/Laboratory Corporation of America, LabCorp and Labcorp Genetics (formerly Invitae), Labcorp); PubMed 8245018 (cited by Labcorp Genetics (formerly Invitae), Labcorp); PubMed 10877510 (cited by Labcorp Genetics (formerly Invitae), Labcorp); PubMed 11549876 (cited by Labcorp Genetics (formerly Invitae), Labcorp); PubMed 12706306 (cited by Labcorp Genetics (formerly Invitae), Labcorp); PubMed 24140098 (cited by Labcorp Genetics (formerly Invitae), Labcorp); PubMed 29278670 (cited by Labcorp Genetics (formerly Invitae), Labcorp).

NM_000102.4(CYP17A1):c.1117C>G (p.His373Asp)

Gene: CYP17A1 (cytochrome P450 family 17 subfamily A member 1; minus strand). Cytogenetic location: 10q24.32.
Variant type: single nucleotide variant.
Coding change: c.1117C>G on transcript NM_000102.4 (MANE Select); coding-DNA position 1117, C replaced by G.
Protein change: p.His373Asp; replaces histidine 373 with aspartic acid.
Molecular consequence: missense variant.
Genome position (GRCh38, 1-based): chr10:102,832,533, G>C on the plus strand (C>G on the coding strand, the complement: CYP17A1 is on the minus strand). VCF-style: chr10-102832533-G-C. GRCh37 (hg19) VCF-style: chr10-104592290-G-C.
Other names: short protein forms H373D.
Identifiers: ClinVar variation 1065951 (VCV001065951.15), dbSNP rs1423560123, ClinGen allele CA377938702.